The following is an entry in ClinVar:

ClinVar aggregate classification (germline): Conflicting classifications of pathogenicity. Review status: criteria provided, conflicting classifications (1 of 4 stars). 6 submissions from 6 submitters: Uncertain significance (5); Likely benign (1). Last evaluated 2025-01-22.

Conditions:
Hereditary cancer-predisposing syndrome. Also called: Hereditary Cancer Syndrome; Neoplastic Syndromes, Hereditary; Tumor predisposition; Hereditary neoplastic syndrome. Identifiers: Orphanet 140162, MedGen C0027672, MeSH D009386, MONDO:0015356.
Fanconi anemia complementation group J. Also called: BRIP1-Related Fanconi Anemia. Identifiers: Orphanet 84, MedGen C1836860, MONDO:0012187, OMIM 609054.
Familial cancer of breast. Also called: Hereditary breast cancer; hereditary breast carcinoma; BREAST CANCER, FAMILIAL. Identifiers: Orphanet 227535, MedGen C0346153, MONDO:0016419, OMIM 114480. Disease mechanism: loss of function.

Allele frequency attached by ClinVar (database versions not stated): ExAC 0.00001.
gnomAD v4.1: 8 of 1,613,690 alleles (0.0005%); highest among the groups gnomAD compares: Non-Finnish European, 0.00068%; no homozygotes.

Submissions (6):

Labcorp Genetics (formerly Invitae), Labcorp
Classification: Uncertain significance for Familial cancer of breast; Fanconi anemia complementation group J. Last evaluated: 2025-01-22. Review status: criteria provided, single submitter. Criteria: Invitae Variant Classification Sherloc (09022015). Collection method: clinical testing. Allele origin: germline.
Comment: This sequence change replaces lysine, which is basic and polar, with asparagine, which is neutral and polar, at codon 998 of the BRIP1 protein (p.Lys998Asn). This variant is present in population databases (rs757225144, gnomAD 0.0009%). This variant has not been reported in the literature in individuals affected with BRIP1-related conditions. ClinVar contains an entry for this variant (Variation ID: 229897). Invitae Evidence Modeling of protein sequence and biophysical properties (such as structural, functional, and spatial information, amino acid conservation, physicochemical variation, residue mobility, and thermodynamic stability) indicates that this missense variant is not expected to disrupt BRIP1 protein function with a negative predictive value of 95%. In summary, the available evidence is currently insufficient to determine the role of this variant in disease. Therefore, it has been classified as a Variant of Uncertain Significance.

Ambry Genetics
Classification: Likely benign for Hereditary cancer-predisposing syndrome. Last evaluated: 2023-05-15. Review status: criteria provided, single submitter. Criteria: Ambry Variant Classification Scheme 2023. Collection method: clinical testing. Allele origin: germline.

Color Diagnostics, LLC DBA Color Health
Classification: Uncertain significance for Hereditary cancer-predisposing syndrome. Last evaluated: 2022-05-06. Review status: criteria provided, single submitter. Criteria: ACMG Guidelines, 2015. Collection method: clinical testing. Allele origin: germline.
Comment: This missense variant replaces lysine with asparagine at codon 998 of the BRIP1 protein. Computational prediction suggests that this variant may not impact protein structure and function (internally defined REVEL score threshold <= 0.5, PMID: 27666373). To our knowledge, functional studies have not been reported for this variant. This variant has not been reported in individuals affected with hereditary cancer in the literature. This variant has been identified in 1/250982 chromosomes in the general population by the Genome Aggregation Database (gnomAD). The available evidence is insufficient to determine the role of this variant in disease conclusively. Therefore, this variant is classified as a Variant of Uncertain Significance.

Sema4
Classification: Uncertain significance for Hereditary cancer-predisposing syndrome. Last evaluated: 2022-02-07. Review status: criteria provided, single submitter. Criteria: Sema4 Curation Guidelines. Collection method: curation. Allele origin: germline.
Comment: The BRIP1 c.2994G>C (p.K998N) variant has been reported in a large case-control study of breast cancer in 1/60466 cases and 0/53461 controls (PMID: 33471991). It was observed in 1/113600 chromosomes of the European (non-Finnish) subpopulation, in the large and broad cohorts of the Genome Aggregation Database (PMID: 32461654). This variant has been reported in ClinVar (Variation ID 229897). In silico tools suggest the impact of the variant on protein function is benign, though these predictions have not been confirmed by functional studies. The evidence is insufficient to meet ACMG/AMP criteria for classifying the variant as benign or pathogenic. Thus, the clinical significance of this variant is currently uncertain.

Mendelics
Classification: Uncertain significance for Familial cancer of breast. Last evaluated: 2019-05-28. Review status: criteria provided, single submitter. Criteria: Mendelics Assertion Criteria 2017. Collection method: clinical testing. Allele origin: unknown.

GeneDx
Classification: Uncertain significance. Last evaluated: 2016-02-29. Review status: criteria provided, single submitter. Criteria: GeneDx Variant Classification (06012015). Collection method: clinical testing. Allele origin: germline. Affected: yes.
Comment: This variant is denoted BRIP1 c.2994G>C at the cDNA level, p.Lys998Asn (K998N) at the protein level, and results in the change of a Lysine to an Asparagine (AAG>AAC). This variant has not, to our knowledge, been published in the literature as pathogenic or benign. BRIP1 Lys998Asn was not observed in approximately 6,500 individuals of European and African American ancestry in the NHLBI Exome Sequencing Project, indicating it is not a common benign variant in these populations. Since Lysine and Asparagine differ in some properties, this is considered a semi-conservative amino acid substitution. BRIP1 Lys998Asn occurs at a position that is not conserved and is located within the region responsible for interacting with BRCA1 (UniProt). In silico analyses predict that this variant is unlikely to alter protein structure or function. Based on currently available information, it is unclear whether BRIP1 Lys998Asn is pathogenic or benign. We consider it to be a variant of uncertain significance.

Literature cited by the submitters: PubMed 33471991 (cited by Ambry Genetics and Sema4).

NM_032043.3(BRIP1):c.2994G>C (p.Lys998Asn)

Gene: BRIP1 (BRCA1 interacting DNA helicase 1; minus strand). Cytogenetic location: 17q23.2.
Variant type: single nucleotide variant.
Coding change: c.2994G>C on transcript NM_032043.3 (MANE Select); coding-DNA position 2994, G replaced by C.
Protein change: p.Lys998Asn; replaces lysine 998 with asparagine.
Molecular consequence: missense variant.
Genome position (GRCh38, 1-based): chr17:61,684,052, C>G on the plus strand (G>C on the coding strand, the complement: BRIP1 is on the minus strand). VCF-style: chr17-61684052-C-G. GRCh37 (hg19) VCF-style: chr17-59761413-C-G.
Other names: short protein forms K998N.
Identifiers: ClinVar variation 229897 (VCV000229897.20), dbSNP rs757225144, ClinGen allele CA8690414.